The following is an entry in ClinVar:

NM_000465.4(BARD1):c.65C>A (p.Ser22Tyr)

Gene: BARD1 (BRCA1 associated RING domain 1; minus strand). Cytogenetic location: 2q35.
Variant type: single nucleotide variant.
Coding change: c.65C>A on transcript NM_000465.4 (MANE Select); coding-DNA position 65, C replaced by A.
Protein change: p.Ser22Tyr; replaces serine 22 with tyrosine.
Molecular consequence: missense variant. On other transcripts: non-coding transcript variant (3).
Genome position (GRCh38, 1-based): chr2:214,809,505, G>T on the plus strand (C>A on the coding strand, the complement: BARD1 is on the minus strand). VCF-style: chr2-214809505-G-T. GRCh37 (hg19) VCF-style: chr2-215674229-G-T.
Other names: c.65C>A, p.Ser22Tyr (NM_001282543.2, NM_001282545.2, NM_001282548.2 and 1 more transcripts); short protein forms S22Y.
Identifiers: ClinVar variation 2450475 (VCV002450475.2), dbSNP rs876659724, ClinGen allele CA350465195.
Genomic context (GRCh38, chr2:214,809,505, plus strand): 5'-TCGAGCGCGGCGCGACTGTGGGCCCAGGCACCGCGACCATCCGGTTCCATGGCGGGCGCG[G>T]AACGAGGCTCGTTCCCGGAGCGGATCCTCGGCTGCCGGTTCCTCGGCTGCCGATTATCCG-3'
Protein context (NP_000456.2, residues 12-32): PRIRSGNEPR[Ser22Tyr]APAMEPDGRG

ClinVar aggregate classification (germline): Uncertain significance (1 of 4 stars; one submission).

Conditions:
Hereditary cancer-predisposing syndrome. Also called: Neoplastic Syndromes, Hereditary; Tumor predisposition; Hereditary neoplastic syndrome; Hereditary Cancer Syndrome. Identifiers: Orphanet 140162, MedGen C0027672, MeSH D009386, MONDO:0015356.

Submission:

Ambry Genetics
Classification: Uncertain significance for Hereditary cancer-predisposing syndrome. Last evaluated: 2023-01-03. Review status: criteria provided, single submitter. Criteria: Ambry Variant Classification Scheme 2023. Collection method: clinical testing. Allele origin: germline.
Comment: The p.S22Y variant (also known as c.65C>A), located in coding exon 1 of the BARD1 gene, results from a C to A substitution at nucleotide position 65. The serine at codon 22 is replaced by tyrosine, an amino acid with dissimilar properties. This amino acid position is conserved. In addition, this alteration is predicted to be tolerated by in silico analysis. Since supporting evidence is limited at this time, the clinical significance of this alteration remains unclear.